The following is an entry in ClinVar:

NM_001352514.2(HLCS):c.1456_1459del (p.Pro486fs)

Gene: HLCS (holocarboxylase synthetase; minus strand). Cytogenetic location: 21q22.13.
Variant type: Deletion.
Coding change: c.1456_1459del on transcript NM_001352514.2 (MANE Select); coding-DNA positions 1456 to 1459, 4 bases deleted (CCCA; older notation c.1456_1459delCCCA).
Protein change: p.Pro486fs; shifts the reading frame from proline 486.
Molecular consequence: frameshift variant. On other transcripts: non-coding transcript variant (2).
Genome position (GRCh38, 1-based): chr21:36,930,412-36,930,415, TGGG deleted on the plus strand (CCCA on the coding strand, the reverse complement: HLCS is on the minus strand). VCF-style (leftmost placement, unchanged base first): chr21-36930411-CTGGG-C. GRCh37 (hg19) VCF-style: chr21-38302711-CTGGG-C.
Other names: c.1015_1018del, p.Pro339fs (NM_000411.8, NM_001242784.3, NM_001242785.2 and 4 more transcripts); short protein forms P339fs, P486fs.
Identifiers: ClinVar variation 5013867 (VCV005013867.1).
Genomic context (GRCh38, chr21:36,930,411, plus strand): 5'-CTTCTAAAATTGCTTGACTTGAGCAAGTTAAAATCTTCTGGAGTTTGCACTATGTTGGAG[CTGGG>C]AGGTAGTTCTAAGTGCACCTGAAGGGGAAAGATAGCACTATGTAAACTGAGGGCACTCAC-3'

ClinVar aggregate classification (germline): Pathogenic (1 of 4 stars; one submission).

Conditions:
Holocarboxylase synthetase deficiency. Also called: MULTIPLE CARBOXYLASE DEFICIENCY, EARLY ONSET. Identifiers: Orphanet 79242, MedGen C0268581, MONDO:0009666, OMIM 253270.

Submission:

Myriad Genetics, Inc.
Classification: Pathogenic for Holocarboxylase synthetase deficiency. Last evaluated: 2024-12-17. Review status: criteria provided, single submitter. Criteria: Myriad Autosomal Dominant, Autosomal Recessive and X-Linked Classification Criteria (2023). Collection method: clinical testing. Allele origin: unknown.
Comment: NM_000411.6(HLCS):c.1015_1018delCCCA(P339Afs*4) is expected to be pathogenic in the context of holocarboxylase synthetase deficiency. This variant is predicted to lead to an abnormal or absent protein product due to the creation of a premature termination codon in HLCS, a gene where loss-of-function variants are known to be pathogenic. Please note: this variant was assessed in the context of healthy population screening.